The following is an entry in ClinVar:

NM_004655.4(AXIN2):c.85G>A (p.Glu29Lys)

Gene: AXIN2 (axin 2; minus strand). Cytogenetic location: 17q24.1.
Variant type: single nucleotide variant.
Coding change: c.85G>A on transcript NM_004655.4 (MANE Select); coding-DNA position 85, G replaced by A.
Protein change: p.Glu29Lys; replaces glutamic acid 29 with lysine.
Molecular consequence: missense variant.
Genome position (GRCh38, 1-based): chr17:65,558,536, C>T on the plus strand (G>A on the coding strand, the complement: AXIN2 is on the minus strand). VCF-style: chr17-65558536-C-T. GRCh37 (hg19) VCF-style: chr17-63554654-C-T.
Other names: c.85G>A, p.Glu29Lys (NM_001363813.1); short protein forms E29K.
Identifiers: ClinVar variation 858847 (VCV000858847.16), dbSNP rs2044310901, ClinGen allele CA400682246.

ClinVar aggregate classification (germline): Uncertain significance. Review status: criteria provided, multiple submitters, no conflicts (2 of 4 stars). 3 submissions from 3 submitters: Uncertain significance (3). Last evaluated 2025-11-03.

Conditions:
Hereditary cancer-predisposing syndrome. Also called: Tumor predisposition; Hereditary neoplastic syndrome; Neoplastic Syndromes, Hereditary; Hereditary Cancer Syndrome. Identifiers: Orphanet 140162, MedGen C0027672, MeSH D009386, MONDO:0015356.
Oligodontia-cancer predisposition syndrome. Also called: TOOTH AGENESIS-COLORECTAL CANCER SYNDROME. Identifiers: Orphanet 300576, MedGen C1837750, MONDO:0012075, OMIM 608615. Disease mechanism: loss of function.

Submissions (3):

Labcorp Genetics (formerly Invitae), Labcorp
Classification: Uncertain significance for Oligodontia-cancer predisposition syndrome. Last evaluated: 2025-11-03. Review status: criteria provided, single submitter. Criteria: Invitae Variant Classification Sherloc (09022015). Collection method: clinical testing. Allele origin: germline.
Comment: This sequence change replaces glutamic acid, which is acidic and polar, with lysine, which is basic and polar, at codon 29 of the AXIN2 protein (p.Glu29Lys). This variant is not present in population databases (gnomAD no frequency). This variant has not been reported in the literature in individuals affected with AXIN2-related conditions. ClinVar contains an entry for this variant (Variation ID: 858847). Invitae Evidence Modeling of protein sequence and biophysical properties (such as structural, functional, and spatial information, amino acid conservation, physicochemical variation, residue mobility, and thermodynamic stability) has been performed for this missense variant. However, the output from this modeling did not meet the statistical confidence thresholds required to predict the impact of this variant on AXIN2 protein function. In summary, the available evidence is currently insufficient to determine the role of this variant in disease. Therefore, it has been classified as a Variant of Uncertain Significance.

GeneDx
Classification: Uncertain significance. Last evaluated: 2023-11-19. Review status: criteria provided, single submitter. Criteria: GeneDx Variant Classification Process June 2021. Collection method: clinical testing. Allele origin: germline. Affected: yes.
Comment: Not observed at significant frequency in large population cohorts (gnomAD); In silico analysis supports that this missense variant has a deleterious effect on protein structure/function; Has not been previously published as pathogenic or benign to our knowledge; This variant is associated with the following publications: (PMID: 15735151)

Ambry Genetics
Classification: Uncertain significance for Hereditary cancer-predisposing syndrome. Last evaluated: 2023-11-02. Review status: criteria provided, single submitter. Criteria: Ambry Variant Classification Scheme 2023. Collection method: clinical testing. Allele origin: germline.
Comment: The p.E29K variant (also known as c.85G>A), located in coding exon 1 of the AXIN2 gene, results from a G to A substitution at nucleotide position 85. The glutamic acid at codon 29 is replaced by lysine, an amino acid with similar properties. This amino acid position is conserved. In addition, this alteration is predicted to be deleterious by in silico analysis. Since supporting evidence is limited at this time, the clinical significance of this alteration remains unclear.